The following is an entry in ClinVar:

ClinVar aggregate classification (germline): Uncertain significance (1 of 4 stars; one submission).

Conditions:
Lymphoproliferative syndrome 1 (LPFS1). Identifiers: Orphanet 238505, Orphanet 538963, MedGen C3552634, MONDO:0013081, OMIM 613011.

Allele frequency attached by ClinVar (database versions not stated): gnomAD exomes below 0.00001; gnomAD 0.00001; TOPMed 0.00001.
gnomAD v4.1: 2 of 1,613,024 alleles (0.00012%); highest among the groups gnomAD compares: Non-Finnish European, 0.00017%; no homozygotes.

Submission:

Labcorp Genetics (formerly Invitae), Labcorp
Classification: Uncertain significance for Lymphoproliferative syndrome 1. Last evaluated: 2022-06-13. Review status: criteria provided, single submitter. Criteria: Invitae Variant Classification Sherloc (09022015). Collection method: clinical testing. Allele origin: germline.
Comment: This sequence change replaces lysine, which is basic and polar, with asparagine, which is neutral and polar, at codon 303 of the ITK protein (p.Lys303Asn). This variant is not present in population databases (gnomAD no frequency). This variant has not been reported in the literature in individuals affected with ITK-related conditions. Advanced modeling of protein sequence and biophysical properties (such as structural, functional, and spatial information, amino acid conservation, physicochemical variation, residue mobility, and thermodynamic stability) performed at Invitae indicates that this missense variant is not expected to disrupt ITK protein function. In summary, the available evidence is currently insufficient to determine the role of this variant in disease. Therefore, it has been classified as a Variant of Uncertain Significance.

NM_005546.4(ITK):c.909G>T (p.Lys303Asn)

Gene: ITK (IL2 inducible T cell kinase; plus strand). Cytogenetic location: 5q33.3.
Variant type: single nucleotide variant.
Coding change: c.909G>T on transcript NM_005546.4 (MANE Select); coding-DNA position 909, G replaced by T.
Protein change: p.Lys303Asn; replaces lysine 303 with asparagine.
Molecular consequence: missense variant.
Genome position (GRCh38, 1-based): chr5:157,240,119, G>T. VCF-style: chr5-157240119-G-T. GRCh37 (hg19) VCF-style: chr5-156667129-G-T.
Other names: short protein forms K303N.
Identifiers: ClinVar variation 1449027 (VCV001449027.8), dbSNP rs1380849049, ClinGen allele CA361958047.
Genomic context (GRCh38, chr5:157,240,119, plus strand): 5'-AAGTGAGAACAATCCCTGTATAAAGCATTATCACATCAAGGAAACAAATGACAATCCTAA[G>T]CGATACTATGTGGCTGAAAAGTATGTGTTCGATTCCATCCCTCTTCTCATCAACTATCAC-3'
Protein context (NP_005537.3, residues 293-313): YHIKETNDNP[Lys303Asn]RYYVAEKYVF